The following is an entry in ClinVar:

ClinVar aggregate classification (germline): Likely benign. Review status: criteria provided, single submitter (1 of 4 stars). 2 submissions from 2 submitters: Likely benign (1). 1 of the submissions does not count toward it. Last evaluated 2019-12-31.

Conditions:
DNHD1-related disorder. Also called: DNHD1-related condition.

Allele frequency attached by ClinVar (database versions not stated): 1000 Genomes Project 30x 0.00016; ExAC 0.00040; ESP Exome Variant Server 0.00088; gnomAD 0.00096 and 0.00097; TOPMed 0.00110.
gnomAD v4.1: 1,920 of 1,551,766 alleles (0.12%); highest among the groups gnomAD compares: Non-Finnish European, 0.15%; 3 homozygotes.

Submissions (2):

Labcorp Genetics (formerly Invitae), Labcorp
Classification: Likely benign. Last evaluated: 2019-12-31. Review status: criteria provided, single submitter. Criteria: Invitae Variant Classification Sherloc (09022015). Collection method: clinical testing. Allele origin: germline.

PreventionGenetics, part of Exact Sciences
Classification: Likely benign for DNHD1-related condition. Last evaluated: 2019-12-19. Review status: no assertion criteria provided. Collection method: clinical testing. Allele origin: germline. Not counted in ClinVar's aggregate classification.
Comment: This variant is classified as likely benign based on ACMG/AMP sequence variant interpretation guidelines (Richards et al. 2015 PMID: 25741868, with internal and published modifications).

NM_144666.3(DNHD1):c.7818C>T (p.Asn2606=)

Gene: DNHD1 (dynein heavy chain domain 1; plus strand). Cytogenetic location: 11p15.4.
Variant type: single nucleotide variant.
Coding change: c.7818C>T on transcript NM_144666.3 (MANE Select); coding-DNA position 7818, C replaced by T.
Protein change: p.Asn2606=; no amino-acid change (asparagine 2606 retained).
Molecular consequence: synonymous variant.
Genome position (GRCh38, 1-based): chr11:6,557,113, C>T. VCF-style: chr11-6557113-C-T. GRCh37 (hg19) VCF-style: chr11-6578343-C-T.
Identifiers: ClinVar variation 790361 (VCV000790361.6), dbSNP rs200346079, ClinGen allele CA5856257.